The following is an entry in ClinVar:

ClinVar aggregate classification (germline): Benign (1 of 4 stars; one submission).

Conditions:
Ehlers-Danlos syndrome, classic type, 2 (EDSCL2). Also called: Ehlers-Danlos syndrome, type 2; Ehlers-Danlos syndrome type 2 (formerly); Ehlers-Danlos Syndrome, Classic Type, COL5A2-Related. Identifiers: Orphanet 287, Orphanet 90318, MedGen C0268336, MONDO:0019568, OMIM 130010.

Allele frequency attached by ClinVar (database versions not stated): gnomAD exomes 0.00046; gnomAD 0.00400 and 0.00418; 1000 Genomes Project 0.00659; TOPMed 0.00487; 1000 Genomes Project 30x 0.00703.
gnomAD v4.1: 602 of 167,726 alleles (0.36%); highest among the groups gnomAD compares: African/African-American, 1.3%; 2 homozygotes.

Submission:

Illumina Laboratory Services, Illumina
Classification: Benign for Ehlers-Danlos syndrome, classic type, 2. Last evaluated: 2018-01-12. Review status: criteria provided, single submitter. Criteria: ICSL Variant Classification Criteria 13 December 2019. Collection method: clinical testing. Allele origin: germline.
Comment: This variant was observed in the ICSL laboratory as part of a predisposition screen in an ostensibly healthy population. It had not been previously curated by ICSL or reported in the Human Gene Mutation Database (HGMD: prior to June 1st, 2018), and was therefore a candidate for classification through an automated scoring system. Utilizing variant allele frequency, disease prevalence and penetrance estimates, and inheritance mode, an automated score was calculated to assess if this variant is too frequent to cause the disease. Based on the score and internal cut-off values, a variant classified as benign is not then subjected to further curation. The score for this variant resulted in a classification of benign for this disease.

NM_000393.5(COL5A2):c.*525A>G

Gene: COL5A2 (collagen type V alpha 2 chain; minus strand). Cytogenetic location: 2q32.2.
Variant type: single nucleotide variant.
Coding change: c.*525A>G on transcript NM_000393.5 (MANE Select); 525 bases downstream of the stop codon, A replaced by G.
Molecular consequence: 3 prime UTR variant.
Genome position (GRCh38, 1-based): chr2:189,033,545, T>C on the plus strand (A>G on the coding strand, the complement: COL5A2 is on the minus strand). VCF-style: chr2-189033545-T-C. GRCh37 (hg19) VCF-style: chr2-189898271-T-C.
Identifiers: ClinVar variation 899248 (VCV000899248.4), dbSNP rs10195176, ClinGen allele CA62579764.
Genomic context (GRCh38, chr2:189,033,545, plus strand): 5'-TTTTTTTTAAGATTCTCCTTAAAGAGTCTCTATTATAGTTACACAATATCAAGACATGCA[T>C]GTAGGTCTCGATCACAAGTTAAACATTTTAAACTCATTTTTAATTGACAATCTTGGAATG-3'